The following is an entry in ClinVar:

ClinVar aggregate classification (germline): Uncertain significance. Review status: criteria provided, multiple submitters, no conflicts (2 of 4 stars). 2 submissions from 2 submitters: Uncertain significance (2). Last evaluated 2025-04-04.

Allele frequency attached by ClinVar (database versions not stated): TOPMed below 0.00001; gnomAD 0.00001; gnomAD exomes 0.00001.
gnomAD v4.1: 8 of 1,501,734 alleles (0.00053%); highest among the groups gnomAD compares: Non-Finnish European, 0.00073%; no homozygotes.

Submissions (2):

Women's Health and Genetics/Laboratory Corporation of America, LabCorp
Classification: Uncertain significance. Last evaluated: 2025-04-04. Review status: criteria provided, single submitter. Criteria: LabCorp Variant Classification Summary - May 2015. Collection method: clinical testing. Allele origin: germline.
Comment: Variant summary: NEDD4L c.2425G>A (p.Asp809Asn) results in a conservative amino acid change in the encoded protein sequence. Four of five in-silico tools predict a benign effect of the variant on protein function. Consensus agreement among computation tools predict no significant impact on normal splicing. However, these predictions have yet to be confirmed by functional studies. The variant was absent in 158320 control chromosomes. The available data on variant occurrences in the general population are insufficient to allow any conclusion about variant significance. To our knowledge, no occurrence of c.2425G>A in individuals affected with Periventricular Nodular Heterotopia 7 and no experimental evidence demonstrating its impact on protein function have been reported. ClinVar contains an entry for this variant (Variation ID: 956262). Based on the evidence outlined above, the variant was classified as uncertain significance.

Labcorp Genetics (formerly Invitae), Labcorp
Classification: Uncertain significance. Last evaluated: 2022-04-04. Review status: criteria provided, single submitter. Criteria: Invitae Variant Classification Sherloc (09022015). Collection method: clinical testing. Allele origin: germline.
Comment: This variant has not been reported in the literature in individuals affected with NEDD4L-related conditions. This variant is not present in population databases (gnomAD no frequency). This sequence change replaces aspartic acid, which is acidic and polar, with asparagine, which is neutral and polar, at codon 789 of the NEDD4L protein (p.Asp789Asn). ClinVar contains an entry for this variant (Variation ID: 956262). In summary, the available evidence is currently insufficient to determine the role of this variant in disease. Therefore, it has been classified as a Variant of Uncertain Significance. Algorithms developed to predict the effect of missense changes on protein structure and function are either unavailable or do not agree on the potential impact of this missense change (SIFT: "Deleterious"; PolyPhen-2: "Benign"; Align-GVGD: "Class C0").

NM_001144967.3(NEDD4L):c.2425G>A (p.Asp809Asn)

Gene: NEDD4L (NEDD4 like E3 ubiquitin protein ligase; plus strand). Cytogenetic location: 18q21.31.
Variant type: single nucleotide variant.
Coding change: c.2425G>A on transcript NM_001144967.3 (MANE Select); coding-DNA position 2425, G replaced by A.
Protein change: p.Asp809Asn; replaces aspartic acid 809 with asparagine.
Molecular consequence: missense variant.
Genome position (GRCh38, 1-based): chr18:58,383,318, G>A. VCF-style: chr18-58383318-G-A. GRCh37 (hg19) VCF-style: chr18-56050550-G-A.
Other names: c.2062G>A, p.Asp688Asn (NM_001144964.1, NM_001144965.2, NM_001144966.3); c.2401G>A, p.Asp801Asn (NM_001144968.2); c.2341G>A, p.Asp781Asn (NM_001144969.2); c.2002G>A, p.Asp668Asn (NM_001144970.3, NM_001144971.2); c.2233G>A, p.Asp745Asn (NM_001243960.2); c.2365G>A, p.Asp789Asn (NM_015277.6); short protein forms D688N, D781N, D801N, D809N, D745N, D668N, D789N.
Identifiers: ClinVar variation 956262 (VCV000956262.11), dbSNP rs868820698, ClinGen allele CA300901364.